The following is an entry in ClinVar:

NM_005655.4(KLF10):c.1129G>A (p.Gly377Ser)

Gene: KLF10 (KLF transcription factor 10; minus strand). Cytogenetic location: 8q22.3.
Variant type: single nucleotide variant.
Coding change: c.1129G>A on transcript NM_005655.4 (MANE Select); coding-DNA position 1129, G replaced by A.
Protein change: p.Gly377Ser; replaces glycine 377 with serine.
Molecular consequence: missense variant. On other transcripts: non-coding transcript variant (1).
Genome position (GRCh38, 1-based): chr8:102,651,203, C>T on the plus strand (G>A on the coding strand, the complement: KLF10 is on the minus strand). VCF-style: chr8-102651203-C-T. GRCh37 (hg19) VCF-style: chr8-103663431-C-T.
Other names: c.1096G>A, p.Gly366Ser (NM_001032282.4); short protein forms G366S, G377S.
Identifiers: ClinVar variation 2881675 (VCV002881675.3), dbSNP rs755288511, ClinGen allele CA4833467.

ClinVar aggregate classification (germline): Uncertain significance (1 of 4 stars; one submission).

Allele frequency attached by ClinVar (database versions not stated): TOPMed below 0.00001; ExAC 0.00001; gnomAD 0.00001.

Submission:

Labcorp Genetics (formerly Invitae), Labcorp
Classification: Uncertain significance. Last evaluated: 2023-01-28. Review status: criteria provided, single submitter. Criteria: Invitae Variant Classification Sherloc (09022015). Collection method: clinical testing. Allele origin: germline.
Comment: This sequence change replaces glycine, which is neutral and non-polar, with serine, which is neutral and polar, at codon 377 of the KLF10 protein (p.Gly377Ser). This variant is present in population databases (rs755288511, gnomAD 0.004%). This variant has not been reported in the literature in individuals affected with KLF10-related conditions. Algorithms developed to predict the effect of missense changes on protein structure and function (SIFT, PolyPhen-2, Align-GVGD) all suggest that this variant is likely to be disruptive. In summary, the available evidence is currently insufficient to determine the role of this variant in disease. Therefore, it has been classified as a Variant of Uncertain Significance.